The following is an entry in ClinVar:

ClinVar aggregate classification (germline): Uncertain significance (1 of 4 stars; one submission).

gnomAD v4.1: 2 of 1,544,892 alleles (0.00013%); highest among the groups gnomAD compares: African/African-American, 0.0014%; no homozygotes.

Submission:

Women's Health and Genetics/Laboratory Corporation of America, LabCorp
Classification: Uncertain significance. Last evaluated: 2024-04-10. Review status: criteria provided, single submitter. Criteria: LabCorp Variant Classification Summary - May 2015. Collection method: clinical testing. Allele origin: germline.
Comment: Variant summary: TBX1 c.1325G>A (p.Arg442His) results in a non-conservative amino acid change in the encoded protein sequence. Four of five in-silico tools predict a damaging effect of the variant on protein function. The variant was absent in 177512 control chromosomes. The available data on variant occurrences in the general population are insufficient to allow any conclusion about variant significance. To our knowledge, no occurrence of c.1325G>A in individuals affected with TBX1-Related Disorders and no experimental evidence demonstrating its impact on protein function have been reported. No submitters have cited clinical-significance assessments for this variant to ClinVar. Based on the evidence outlined above, the variant was classified as uncertain significance.

NM_001379200.1(TBX1):c.1352G>A (p.Arg451His)

Gene: TBX1 (T-box transcription factor 1; plus strand). Cytogenetic location: 22q11.21.
Variant type: single nucleotide variant.
Coding change: c.1352G>A on transcript NM_001379200.1 (MANE Select); coding-DNA position 1352, G replaced by A.
Protein change: p.Arg451His; replaces arginine 451 with histidine.
Molecular consequence: missense variant. On other transcripts: intron variant (2).
Genome position (GRCh38, 1-based): chr22:19,766,704, G>A. VCF-style: chr22-19766704-G-A. GRCh37 (hg19) VCF-style: chr22-19754227-G-A.
Other names: c.1325G>A, p.Arg442His (NM_080647.1); c.1009+702G>A (NM_005992.1, NM_080646.2); short protein forms R442H, R451H.
Identifiers: ClinVar variation 3251367 (VCV003251367.1), dbSNP rs755937050.
Genomic context (GRCh38, chr22:19,766,704, plus strand): 5'-CCTACGACCACTATCTCGGGGCCAAGAGCCGGCCGGCGCCCTACCCGCTGCCCGGCCTGC[G>A]TGGCCACGGCTACCACCCGCACGCGCATCCGCACCACCACCACCACCCCGTGAGTCCAGC-3'
Protein context (NP_001366129.1, residues 441-461): RPAPYPLPGL[Arg451His]GHGYHPHAHP